The following is an entry in ClinVar:

ClinVar aggregate classification (germline): Pathogenic (1 of 4 stars; one submission).

Conditions:
RAPSN-related disorder. Also called: RAPSN-related condition; RAPSN-related disorders. Identifiers: MedGen CN239397.

Submission:

Myriad Genetics, Inc.
Classification: Pathogenic for RAPSN-related disorder. Last evaluated: 2024-05-14. Review status: criteria provided, single submitter. Criteria: Myriad Autosomal Dominant, Autosomal Recessive and X-Linked Classification Criteria (2023). Collection method: clinical testing. Allele origin: unknown.
Comment: NM_005055.4(RAPSN):c.420_424del5ins19(K141Nfs*67) is expected to be pathogenic in the context of RAPSN-related disorders. This variant is predicted to lead to an abnormal or absent protein product due to the creation of a premature termination codon in RAPSN, a gene where loss-of-function variants are known to be pathogenic. Please note: this variant was assessed in the context of healthy population screening.

NM_005055.5(RAPSN):c.420_424delinsAAACCCTCCACTGCTGTCC (p.Lys141fs)

Gene: RAPSN (receptor associated protein of the synapse; minus strand). Cytogenetic location: 11p11.2.
Variant type: Indel.
Coding change: c.420_424delinsAAACCCTCCACTGCTGTCC on transcript NM_005055.5 (MANE Select); coding-DNA positions 420 to 424, GAAGG replaced by AAACCCTCCACTGCTGTCC.
Protein change: p.Lys141fs; shifts the reading frame from lysine 141.
Molecular consequence: frameshift variant. On other transcripts: intron variant (1).
Genome position (GRCh38, 1-based): chr11:47,447,919-47,447,923, CCTTC replaced by GGACAGCAGTGGAGGGTTT on the plus strand (GAAGG replaced by AAACCCTCCACTGCTGTCC on the coding strand, the reverse complement: RAPSN is on the minus strand). VCF-style: chr11-47447919-CCTTC-GGACAGCAGTGGAGGGTTT. GRCh37 (hg19) VCF-style: chr11-47469471-CCTTC-GGACAGCAGTGGAGGGTTT.
Other names: c.420_424delinsAAACCCTCCACTGCTGTCC, p.Lys141fs (NM_001440490.1, NM_001440491.1, NM_001440492.1 and 12 more transcripts); c.192+850_192+854delinsAAACCCTCCACTGCTGTCC (NM_001440504.1); short protein forms K141fs.
Identifiers: ClinVar variation 5015706 (VCV005015706.1).